The following is an entry in ClinVar:

ClinVar aggregate classification (germline): Likely benign. Review status: criteria provided, multiple submitters, no conflicts (2 of 4 stars). 4 submissions from 4 submitters: Likely benign (4). Last evaluated 2024-05-30.

Conditions:
Cardiomyopathy (CMYO). Also called: Cardiomyopathies. Identifiers: Orphanet 167848, MedGen C0878544, MONDO:0004994, HP:0001638. Inheritance: Various modes of inheritance.
Cardiovascular phenotype. Identifiers: MedGen CN230736.
Hypertrophic cardiomyopathy. Also called: HYPERTROPHIC MYOCARDIOPATHY. Identifiers: Orphanet 217569, MedGen C0007194, MeSH D002312, MONDO:0005045, HP:0001639.

Allele frequency attached by ClinVar (database versions not stated): gnomAD 0.00001; TOPMed 0.00001.

Submissions (4):

All of Us Research Program, National Institutes of Health
Classification: Likely benign for Hypertrophic cardiomyopathy. Last evaluated: 2024-05-30. Review status: criteria provided, single submitter. Criteria: ACMG Guidelines, 2015. Collection method: clinical testing. Allele origin: germline. Inheritance: Autosomal dominant inheritance. Observed: 1 variant allele, 1 heterozygote.
Comment: This study involves interpretation of variants in research participants for the purpose of population health screening. Participant phenotype was not available at the time of variant classification. Additional details can be found in publication PMID: 35346344, PMCID: PMC8962531

Labcorp Genetics (formerly Invitae), Labcorp
Classification: Likely benign for Hypertrophic cardiomyopathy. Last evaluated: 2023-03-16. Review status: criteria provided, single submitter. Criteria: Invitae Variant Classification Sherloc (09022015). Collection method: clinical testing. Allele origin: germline.

Ambry Genetics
Classification: Likely benign for Cardiovascular phenotype. Last evaluated: 2021-09-14. Review status: criteria provided, single submitter. Criteria: Ambry Variant Classification Scheme 2023. Collection method: clinical testing. Allele origin: germline.

Color Diagnostics, LLC DBA Color Health
Classification: Likely benign for Cardiomyopathy. Last evaluated: 2019-07-26. Review status: criteria provided, single submitter. Criteria: ACMG Guidelines, 2015. Collection method: clinical testing. Allele origin: germline.

NM_000363.5(TNNI3):c.277C>T (p.Leu93=)

Gene: TNNI3 (troponin I3, cardiac type; minus strand). Cytogenetic location: 19q13.42.
Variant type: single nucleotide variant.
Coding change: c.277C>T on transcript NM_000363.5 (MANE Select); coding-DNA position 277, C replaced by T.
Protein change: p.Leu93=; no amino-acid change (leucine 93 retained).
Molecular consequence: synonymous variant.
Genome position (GRCh38, 1-based): chr19:55,156,206, G>A on the plus strand (C>T on the coding strand, the complement: TNNI3 is on the minus strand). VCF-style: chr19-55156206-G-A. GRCh37 (hg19) VCF-style: chr19-55667574-G-A.
Identifiers: ClinVar variation 927561 (VCV000927561.12), dbSNP rs1221536494, ClinGen allele CA508989536.